The following is an entry in ClinVar:

ClinVar aggregate classification (germline): Uncertain significance. Review status: criteria provided, multiple submitters, no conflicts (2 of 4 stars). 4 submissions from 4 submitters: Uncertain significance (4). Last evaluated 2026-01-07.

Conditions:
Hereditary cancer-predisposing syndrome. Also called: Hereditary Cancer Syndrome; Tumor predisposition; Hereditary neoplastic syndrome; Neoplastic Syndromes, Hereditary. Identifiers: Orphanet 140162, MedGen C0027672, MeSH D009386, MONDO:0015356.
Endometrial carcinoma. Also called: Endometrial carcinoma, somatic. Identifiers: MedGen C0476089, MONDO:0002447, OMIM 608089, HP:0012114.

Allele frequency attached by ClinVar (database versions not stated): gnomAD 0.00001; gnomAD exomes 0.00001 and 0.00002; TOPMed 0.00001; ExAC 0.00003.
gnomAD v4.1: 9 of 1,611,202 alleles (0.00056%); highest among the groups gnomAD compares: Non-Finnish European, 0.00068%; no homozygotes.

Submissions (4):

Labcorp Genetics (formerly Invitae), Labcorp
Classification: Uncertain significance. Last evaluated: 2026-01-07. Review status: criteria provided, single submitter. Criteria: Invitae Variant Classification Sherloc (09022015). Collection method: clinical testing. Allele origin: germline.
Comment: This sequence change replaces proline, which is neutral and non-polar, with alanine, which is neutral and non-polar, at codon 498 of the MSH3 protein (p.Pro498Ala). This variant is present in population databases (rs746541629, gnomAD 0.004%). This variant has not been reported in the literature in individuals affected with MSH3-related conditions. ClinVar contains an entry for this variant (Variation ID: 645736). An algorithm developed to predict the effect of missense changes on protein structure and function outputs the following: PolyPhen-2: "Benign". The alanine amino acid residue is found in multiple mammalian species, which suggests that this missense change does not adversely affect protein function. In summary, the available evidence is currently insufficient to determine the role of this variant in disease. Therefore, it has been classified as a Variant of Uncertain Significance.

Ambry Genetics
Classification: Uncertain significance for Hereditary cancer-predisposing syndrome. Last evaluated: 2025-07-18. Review status: criteria provided, single submitter. Criteria: Ambry Variant Classification Scheme 2023. Collection method: clinical testing. Allele origin: germline.
Comment: The p.P498A variant (also known as c.1492C>G), located in coding exon 10 of the MSH3 gene, results from a C to G substitution at nucleotide position 1492. The proline at codon 498 is replaced by alanine, an amino acid with highly similar properties. This amino acid position is well conserved in available vertebrate species. In addition, this alteration is predicted to be tolerated by in silico analysis. Since supporting evidence is limited at this time, the clinical significance of this alteration remains unclear.

Baylor Genetics
Classification: Uncertain significance for Endometrial carcinoma. Last evaluated: 2023-09-21. Review status: criteria provided, single submitter. Criteria: ACMG Guidelines, 2015. Collection method: clinical testing. Allele origin: unknown.

Quest Diagnostics Nichols Institute San Juan Capistrano
Classification: Uncertain significance. Last evaluated: 2021-06-23. Review status: criteria provided, single submitter. Criteria: Quest Diagnostics criteria. Collection method: clinical testing. Allele origin: unknown.

NM_002439.5(MSH3):c.1492C>G (p.Pro498Ala)

Gene: MSH3 (mutS homolog 3; plus strand). Cytogenetic location: 5q14.1.
Variant type: single nucleotide variant.
Coding change: c.1492C>G on transcript NM_002439.5 (MANE Select); coding-DNA position 1492, C replaced by G.
Protein change: p.Pro498Ala; replaces proline 498 with alanine.
Molecular consequence: missense variant.
Genome position (GRCh38, 1-based): chr5:80,728,889, C>G. VCF-style: chr5-80728889-C-G. GRCh37 (hg19) VCF-style: chr5-80024708-C-G.
Other names: short protein forms P498A.
Identifiers: ClinVar variation 645736 (VCV000645736.17), dbSNP rs746541629, ClinGen allele CA3327940.